The following is an entry in ClinVar:

ClinVar aggregate classification (germline): Uncertain significance. Review status: criteria provided, multiple submitters, no conflicts (2 of 4 stars). 2 submissions from 2 submitters: Uncertain significance (2). Last evaluated 2022-03-21.

Conditions:
Cardiovascular phenotype. Identifiers: MedGen CN230736.
DiGeorge syndrome. Also called: THIRD AND FOURTH PHARYNGEAL POUCH SYNDROME; Catch22. Identifiers: Orphanet 567, MedGen C0012236, MONDO:0008564, OMIM 188400.

gnomAD v4.1: 4 of 1,312,334 alleles (0.0003%); highest among the groups gnomAD compares: Non-Finnish European, 0.00019%; no homozygotes.

Submissions (2):

Ambry Genetics
Classification: Uncertain significance for Cardiovascular phenotype. Last evaluated: 2022-03-21. Review status: criteria provided, single submitter. Criteria: Ambry Variant Classification Scheme 2023. Collection method: clinical testing. Allele origin: germline.
Comment: The p.P374H variant (also known as c.1121C>A), located in coding exon 8 of the TBX1 gene, results from a C to A substitution at nucleotide position 1121. The proline at codon 374 is replaced by histidine, an amino acid with similar properties. This amino acid position is conserved. In addition, the in silico prediction for this alteration is inconclusive. Since supporting evidence is limited at this time, the clinical significance of this alteration remains unclear.

Labcorp Genetics (formerly Invitae), Labcorp
Classification: Uncertain significance for DiGeorge syndrome. Last evaluated: 2021-11-01. Review status: criteria provided, single submitter. Criteria: Invitae Variant Classification Sherloc (09022015). Collection method: clinical testing. Allele origin: germline.
Comment: In summary, the available evidence is currently insufficient to determine the role of this variant in disease. Therefore, it has been classified as a Variant of Uncertain Significance. Algorithms developed to predict the effect of missense changes on protein structure and function are either unavailable or do not agree on the potential impact of this missense change (SIFT: "Deleterious"; PolyPhen-2: "Possibly Damaging"; Align-GVGD: "Class C0"). This variant has not been reported in the literature in individuals affected with TBX1-related conditions. The frequency data for this variant in the population databases is considered unreliable, as metrics indicate poor data quality at this position in the gnomAD database. This sequence change replaces proline, which is neutral and non-polar, with histidine, which is basic and polar, at codon 374 of the TBX1 protein (p.Pro374His).

NM_001379200.1(TBX1):c.1148C>A (p.Pro383His)

Gene: TBX1 (T-box transcription factor 1; plus strand). Cytogenetic location: 22q11.21.
Variant type: single nucleotide variant.
Coding change: c.1148C>A on transcript NM_001379200.1 (MANE Select); coding-DNA position 1148, C replaced by A.
Protein change: p.Pro383His; replaces proline 383 with histidine.
Molecular consequence: missense variant. On other transcripts: intron variant (2).
Genome position (GRCh38, 1-based): chr22:19,766,500, C>A. VCF-style: chr22-19766500-C-A. GRCh37 (hg19) VCF-style: chr22-19754023-C-A.
Other names: c.1121C>A, p.Pro374His (NM_080647.1); c.1009+498C>A (NM_005992.1, NM_080646.2); short protein forms P383H, P374H.
Identifiers: ClinVar variation 1367323 (VCV001367323.8), dbSNP rs953761540, ClinGen allele CA410684299.
Genomic context (GRCh38, chr22:19,766,500, plus strand): 5'-TGCTCGGGGACCCGGCGCATCCTCCGCAGCTGCTGGCCCGGGTGCTAAGCCCCTCGCTGC[C>A]CGGGGCCGGCGGCGCCGGCGGCTTAGTCCCGCTGCCCGGCGCGCCCGGAGGCCGGCCCAG-3'
Protein context (NP_001366129.1, residues 373-393): LLARVLSPSL[Pro383His]GAGGAGGLVP